The following is an entry in ClinVar:

ClinVar aggregate classification (germline): Uncertain significance (1 of 4 stars; one submission).

Conditions:
Paget disease of bone 2, early-onset (PDB2). Also called: Paget disease of bone 2. Identifiers: MedGen C4085251, MONDO:0011183, OMIM 602080.
Frontotemporal dementia and/or amyotrophic lateral sclerosis 1 (FTDALS1). Also called: Frontotemporal dementia with motor neuron disease 1; C9orf72 Frontotemporal Dementia and/or Amyotrophic Lateral Sclerosis. Identifiers: Orphanet 275872, MedGen C5779877, MONDO:0007105, OMIM 105550.

Allele frequency attached by ClinVar (database versions not stated): gnomAD exomes 0.00001.

Submission:

Labcorp Genetics (formerly Invitae), Labcorp
Classification: Uncertain significance for Paget disease of bone 2, early-onset; Frontotemporal dementia and/or amyotrophic lateral sclerosis 1. Last evaluated: 2021-05-10. Review status: criteria provided, single submitter. Criteria: Invitae Variant Classification Sherloc (09022015). Collection method: clinical testing. Allele origin: germline.
Comment: This variant is not present in population databases (ExAC no frequency). Disruption of the initiator codon has been observed in individual(s) with autosomal recessive neurodegeneration with ataxia, dystonia, and gaze palsy (PMID: 27545679). This sequence change affects the initiator methionine of the SQSTM1 mRNA. The next in-frame methionine is located at codon 85. Algorithms developed to predict the effect of sequence changes on RNA splicing suggest that this variant may create or strengthen a splice site, but this prediction has not been confirmed by published transcriptional studies. In summary, the available evidence is currently insufficient to determine the role of this variant in disease. Therefore, it has been classified as a Variant of Uncertain Significance.

Literature cited by the submitters: PubMed 27545679.

NM_003900.5(SQSTM1):c.3G>A (p.Met1Ile)

Gene: SQSTM1 (sequestosome 1; plus strand). Cytogenetic location: 5q35.3.
Variant type: single nucleotide variant.
Coding change: c.3G>A on transcript NM_003900.5 (MANE Select); coding-DNA position 3, G replaced by A.
Protein change: p.Met1Ile; changes the start codon (methionine 1).
Molecular consequence: missense variant, initiator codon variant. On other transcripts: intron variant (2).
Genome position (GRCh38, 1-based): chr5:179,820,939, G>A. VCF-style: chr5-179820939-G-A. GRCh37 (hg19) VCF-style: chr5-179247939-G-A.
Other names: c.-47-2019G>A (NM_001142298.2, NM_001142299.2); short protein forms M1I.
Identifiers: ClinVar variation 1472643 (VCV001472643.8), dbSNP rs1309887153, ClinGen allele CA362441994.